The following is an entry in ClinVar:

NM_013275.6(ANKRD11):c.4486C>A (p.His1496Asn)

Gene: ANKRD11 (ankyrin repeat domain 11; minus strand). Cytogenetic location: 16q24.3.
Variant type: single nucleotide variant.
Coding change: c.4486C>A on transcript NM_013275.6 (MANE Select); coding-DNA position 4486, C replaced by A.
Protein change: p.His1496Asn; replaces histidine 1496 with asparagine.
Molecular consequence: missense variant.
Genome position (GRCh38, 1-based): chr16:89,282,056, G>T on the plus strand (C>A on the coding strand, the complement: ANKRD11 is on the minus strand). VCF-style: chr16-89282056-G-T. GRCh37 (hg19) VCF-style: chr16-89348464-G-T.
Other names: c.4486C>A, p.His1496Asn (NM_001256182.2, NM_001256183.2); short protein forms H1496N.
Identifiers: ClinVar variation 2728477 (VCV002728477.3), dbSNP rs765525860, ClinGen allele CA8242100.

ClinVar aggregate classification (germline): Uncertain significance (1 of 4 stars; one submission).

Conditions:
KBG syndrome (KBGS). Also called: ANKRD11-Related KBG Syndrome. Identifiers: Orphanet 2332, MedGen C0220687, MONDO:0007846, OMIM 148050.

Allele frequency attached by ClinVar (database versions not stated): TOPMed 0.00003.

Submission:

Labcorp Genetics (formerly Invitae), Labcorp
Classification: Uncertain significance for KBG syndrome. Last evaluated: 2023-08-24. Review status: criteria provided, single submitter. Criteria: Invitae Variant Classification Sherloc (09022015). Collection method: clinical testing. Allele origin: germline.
Comment: In summary, the available evidence is currently insufficient to determine the role of this variant in disease. Therefore, it has been classified as a Variant of Uncertain Significance. Advanced modeling of protein sequence and biophysical properties (such as structural, functional, and spatial information, amino acid conservation, physicochemical variation, residue mobility, and thermodynamic stability) performed at Invitae indicates that this missense variant is not expected to disrupt ANKRD11 protein function. This variant has not been reported in the literature in individuals affected with ANKRD11-related conditions. This variant is present in population databases (rs765525860, gnomAD 0.006%). This sequence change replaces histidine, which is basic and polar, with asparagine, which is neutral and polar, at codon 1496 of the ANKRD11 protein (p.His1496Asn).